The following is an entry in ClinVar:

NM_000936.4(PNLIP):c.823T>G (p.Phe275Val)

Gene: PNLIP (pancreatic lipase; plus strand). Cytogenetic location: 10q25.3.
Variant type: single nucleotide variant.
Coding change: c.823T>G on transcript NM_000936.4 (MANE Select); coding-DNA position 823, T replaced by G.
Protein change: p.Phe275Val; replaces phenylalanine 275 with valine.
Molecular consequence: missense variant.
Genome position (GRCh38, 1-based): chr10:116,556,011, T>G. VCF-style: chr10-116556011-T-G. GRCh37 (hg19) VCF-style: chr10-118315523-T-G.
Other names: c.823T>G (NM_000936.2); short protein forms F275V.
Identifiers: ClinVar variation 2125272 (VCV002125272.6), dbSNP rs769696812, ClinGen allele CA378496601.
Genomic context (GRCh38, chr10:116,556,011, plus strand): 5'-TTGGAAAAATAAAATCTGTCCTTGATGTGTAATTGTGTCTGATTCAAAGGGACTCGAGAC[T>G]TTGCGGCCTGTAATCACTTAAGAAGCTACAAATATTACACTGATAGCATCGTCAACCCTG-3'
Protein context (NP_000927.1, residues 265-285): IDGIWEGTRD[Phe275Val]AACNHLRSYK

ClinVar aggregate classification (germline): Uncertain significance. Review status: criteria provided, multiple submitters, no conflicts (2 of 4 stars). 2 submissions from 2 submitters: Uncertain significance (2). Last evaluated 2023-03-07.

Allele frequency attached by ClinVar (database versions not stated): gnomAD exomes below 0.00001.
gnomAD v4.1: 2 of 1,610,142 alleles (0.00012%); highest among the groups gnomAD compares: East Asian, 0.0022%; no homozygotes.

Submissions (2):

Ambry Genetics
Classification: Uncertain significance. Last evaluated: 2023-03-07. Review status: criteria provided, single submitter. Criteria: Ambry Variant Classification Scheme 2023. Collection method: clinical testing. Allele origin: germline.

Labcorp Genetics (formerly Invitae), Labcorp
Classification: Uncertain significance. Last evaluated: 2022-09-27. Review status: criteria provided, single submitter. Criteria: Invitae Variant Classification Sherloc (09022015). Collection method: clinical testing. Allele origin: germline.
Comment: Advanced modeling of protein sequence and biophysical properties (such as structural, functional, and spatial information, amino acid conservation, physicochemical variation, residue mobility, and thermodynamic stability) performed at Invitae indicates that this missense variant is not expected to disrupt PNLIP protein function. In summary, the available evidence is currently insufficient to determine the role of this variant in disease. Therefore, it has been classified as a Variant of Uncertain Significance. This variant has not been reported in the literature in individuals affected with PNLIP-related conditions. This variant is present in population databases (no rsID available, gnomAD 0.006%). This sequence change replaces phenylalanine, which is neutral and non-polar, with valine, which is neutral and non-polar, at codon 275 of the PNLIP protein (p.Phe275Val).